The following is an entry in ClinVar:

NM_003430.4(ZNF91):c.1908C>T (p.Gly636=)

Gene: ZNF91 (zinc finger protein 91; minus strand). Cytogenetic location: 19p12.
Variant type: single nucleotide variant.
Coding change: c.1908C>T on transcript NM_003430.4 (MANE Select); coding-DNA position 1908, C replaced by T.
Protein change: p.Gly636=; no amino-acid change (glycine 636 retained).
Molecular consequence: synonymous variant.
Genome position (GRCh38, 1-based): chr19:23,361,071, G>A on the plus strand (C>T on the coding strand, the complement: ZNF91 is on the minus strand). VCF-style: chr19-23361071-G-A. GRCh37 (hg19) VCF-style: chr19-23543873-G-A.
Other names: c.1812C>T, p.Gly604= (NM_001300951.2).
Identifiers: ClinVar variation 2649662 (VCV002649662.24), dbSNP rs141572875, ClinGen allele CA9347977.
Genomic context (GRCh38, chr19:23,361,071, plus strand): 5'-TTTCTCTCCAGTATGAATTCTCTTATGTTTAGCAAGGGCTGAAGAATGGCTAAAAGCTTT[G>A]CCACATTCTTCACATTTGTAGGGTTTCTCTCCAGTGTGTATCCTCTTATGTCTTCTTAGG-3'
Protein context (NP_003421.2, residues 626-646): GEKPYKCEEC[Gly636=]KAFSHSSALA

ClinVar aggregate classification (germline): Likely benign (1 of 4 stars; one submission).

Allele frequency attached by ClinVar (database versions not stated): gnomAD 0.00193; TOPMed 0.00238; gnomAD exomes 0.00093; ExAC 0.00136; ESP Exome Variant Server 0.00155; 1000 Genomes Project 30x 0.00172; 1000 Genomes Project 0.00180.
gnomAD v4.1: 1,771 of 1,613,660 alleles (0.11%); highest among the groups gnomAD compares: Middle Eastern, 0.96%; 10 homozygotes.

Submission:

CeGaT Center for Human Genetics Tuebingen
Classification: Likely benign. Last evaluated: 2023-01-01. Review status: criteria provided, single submitter. Criteria: CeGaT Center For Human Genetics Tuebingen Variant Classification Criteria Version 2. Collection method: clinical testing. Allele origin: germline. Affected: yes. Observed: 1 variant allele.
Comment: ZNF91: BP4, BP7, BS2